The following is an entry in ClinVar:

NM_144991.3(TSPEAR):c.812T>G (p.Leu271Arg)

Gene: TSPEAR (thrombospondin type laminin G domain and EAR repeats; minus strand). Cytogenetic location: 21q22.3.
Variant type: single nucleotide variant.
Coding change: c.812T>G on transcript NM_144991.3 (MANE Select); coding-DNA position 812, T replaced by G.
Protein change: p.Leu271Arg; replaces leucine 271 with arginine.
Molecular consequence: missense variant.
Genome position (GRCh38, 1-based): chr21:44,528,562, A>C on the plus strand (T>G on the coding strand, the complement: TSPEAR is on the minus strand). VCF-style: chr21-44528562-A-C. GRCh37 (hg19) VCF-style: chr21-45948445-A-C.
Other names: c.608T>G, p.Leu203Arg (NM_001272037.2); c.812T>G (NM_144991.2); short protein forms L203R, L271R.
Identifiers: ClinVar variation 2140485 (VCV002140485.2), dbSNP rs782569886, ClinGen allele CA10056832.

ClinVar aggregate classification (germline): Uncertain significance. Review status: criteria provided, multiple submitters, no conflicts (2 of 4 stars). 2 submissions from 2 submitters: Uncertain significance (2). Last evaluated 2025-05-14.

Conditions:
Inborn genetic diseases. Identifiers: MedGen C0950123, MeSH D030342.

Allele frequency attached by ClinVar (database versions not stated): gnomAD 0.00002; TOPMed 0.00002; ExAC 0.00003.
gnomAD v4.1: 11 of 1,613,968 alleles (0.00068%); highest among the groups gnomAD compares: Admixed American, 0.017%; no homozygotes.

Submissions (2):

Ambry Genetics
Classification: Uncertain significance for Inborn genetic diseases. Last evaluated: 2025-05-14. Review status: criteria provided, single submitter. Criteria: Ambry Variant Classification Scheme 2023. Collection method: clinical testing. Allele origin: germline.

Labcorp Genetics (formerly Invitae), Labcorp
Classification: Uncertain significance. Last evaluated: 2022-03-10. Review status: criteria provided, single submitter. Criteria: Invitae Variant Classification Sherloc (09022015). Collection method: clinical testing. Allele origin: germline.
Comment: This sequence change replaces leucine, which is neutral and non-polar, with arginine, which is basic and polar, at codon 271 of the TSPEAR protein (p.Leu271Arg). This variant is present in population databases (rs782569886, gnomAD 0.01%). This variant has not been reported in the literature in individuals affected with TSPEAR-related conditions. Algorithms developed to predict the effect of missense changes on protein structure and function (SIFT, PolyPhen-2, Align-GVGD) all suggest that this variant is likely to be disruptive. In summary, the available evidence is currently insufficient to determine the role of this variant in disease. Therefore, it has been classified as a Variant of Uncertain Significance.